The following is an entry in ClinVar:

NM_019066.5(MAGEL2):c.2251A>C (p.Ile751Leu)

Gene: MAGEL2 (MAGE family member L2; minus strand). Cytogenetic location: 15q11.2.
Variant type: single nucleotide variant.
Coding change: c.2251A>C on transcript NM_019066.5 (MANE Select); coding-DNA position 2251, A replaced by C.
Protein change: p.Ile751Leu; replaces isoleucine 751 with leucine.
Molecular consequence: missense variant.
Genome position (GRCh38, 1-based): chr15:23,645,492, T>G on the plus strand (A>C on the coding strand, the complement: MAGEL2 is on the minus strand). VCF-style: chr15-23645492-T-G. GRCh37 (hg19) VCF-style: chr15-23890639-T-G.
Other names: short protein forms I751L.
Identifiers: ClinVar variation 2446329 (VCV002446329.4), dbSNP rs374443204, ClinGen allele CA391332376.

ClinVar aggregate classification (germline): Uncertain significance. Review status: criteria provided, multiple submitters, no conflicts (2 of 4 stars). 2 submissions from 2 submitters: Uncertain significance (2). Last evaluated 2023-09-23.

Submissions (2):

Labcorp Genetics (formerly Invitae), Labcorp
Classification: Uncertain significance. Last evaluated: 2023-09-23. Review status: criteria provided, single submitter. Criteria: Invitae Variant Classification Sherloc (09022015). Collection method: clinical testing. Allele origin: germline.
Comment: In summary, the available evidence is currently insufficient to determine the role of this variant in disease. Therefore, it has been classified as a Variant of Uncertain Significance. Algorithms developed to predict the effect of missense changes on protein structure and function output the following: SIFT: "Not Available"; PolyPhen-2: "Not Available"; Align-GVGD: "Not Available". The leucine amino acid residue is found in multiple mammalian species, which suggests that this missense change does not adversely affect protein function. ClinVar contains an entry for this variant (Variation ID: 2446329). This variant has not been reported in the literature in individuals affected with MAGEL2-related conditions. This variant is not present in population databases (gnomAD no frequency). This sequence change replaces isoleucine, which is neutral and non-polar, with leucine, which is neutral and non-polar, at codon 751 of the MAGEL2 protein (p.Ile751Leu).

GeneDx
Classification: Uncertain significance. Last evaluated: 2022-09-27. Review status: criteria provided, single submitter. Criteria: GeneDx Variant Classification Process June 2021. Collection method: clinical testing. Allele origin: germline. Affected: yes.
Comment: Not observed at significant frequency in large population cohorts (gnomAD); In silico analysis supports that this missense variant does not alter protein structure/function; Has not been previously published as pathogenic or benign to our knowledge